The following is an entry in ClinVar:

ClinVar aggregate classification (germline): Uncertain significance (1 of 4 stars; one submission).

Conditions:
Perlman syndrome (PRLMNS). Identifiers: Orphanet 2849, MedGen C0796113, MONDO:0009965, OMIM 267000.

Submission:

Labcorp Genetics (formerly Invitae), Labcorp
Classification: Uncertain significance for Perlman syndrome. Last evaluated: 2023-06-12. Review status: criteria provided, single submitter. Criteria: Invitae Variant Classification Sherloc (09022015). Collection method: clinical testing. Allele origin: germline.
Comment: Algorithms developed to predict the effect of missense changes on protein structure and function output the following: SIFT: "Not Available"; PolyPhen-2: "Benign"; Align-GVGD: "Not Available". The glutamic acid amino acid residue is found in multiple mammalian species, which suggests that this missense change does not adversely affect protein function. This variant has not been reported in the literature in individuals affected with DIS3L2-related conditions. This variant is not present in population databases (gnomAD no frequency). This sequence change replaces lysine, which is basic and polar, with glutamic acid, which is acidic and polar, at codon 511 of the DIS3L2 protein (p.Lys511Glu). In summary, the available evidence is currently insufficient to determine the role of this variant in disease. Therefore, it has been classified as a Variant of Uncertain Significance.

NM_152383.5(DIS3L2):c.1531A>G (p.Lys511Glu)

Gene: DIS3L2 (DIS3 like 3'-5' exoribonuclease 2; plus strand). Cytogenetic location: 2q37.1.
Variant type: single nucleotide variant.
Coding change: c.1531A>G on transcript NM_152383.5 (MANE Select); coding-DNA position 1531, A replaced by G.
Protein change: p.Lys511Glu; replaces lysine 511 with glutamic acid.
Molecular consequence: missense variant. On other transcripts: non-coding transcript variant (2).
Genome position (GRCh38, 1-based): chr2:232,263,312, A>G. VCF-style: chr2-232263312-A-G. GRCh37 (hg19) VCF-style: chr2-233128022-A-G.
Other names: c.1531A>G, p.Lys511Glu (NM_001257281.2); short protein forms K511E.
Identifiers: ClinVar variation 2907228 (VCV002907228.3), dbSNP rs2470079277, ClinGen allele CA350975469.